The following is an entry in ClinVar:

ClinVar aggregate classification (germline): Likely benign (1 of 4 stars; one submission).

Conditions:
MELAS syndrome (MELAS). Also called: Juvenile myopathy, encephalopathy, lactic acidosis, stroke. Identifiers: Orphanet 550, MedGen C0162671, MONDO:0010789, OMIM 540000.

Submission:

Wong Mito Lab, Molecular and Human Genetics, Baylor College of Medicine
Classification: Likely benign for MELAS syndrome. Last evaluated: 2019-07-12. Review status: criteria provided, single submitter. Criteria: Modified ACMG Guidelines (Unpublished). Collection method: clinical testing. Allele origin: germline.
Comment: The NC_012920.1:m.4314delT variant in MT-TI gene is interpreted to be a Likely Benign variant based on the modified ACMG guidelines (unpublished). This variant meets the following evidence codes reported in the guidelines: BS4, BP4

Literature cited by the submitters: PubMed 31965079.

NC_012920.1(MT-TI):m.4314del

Gene: MT-TI (mitochondrially encoded tRNA isoleucine; plus strand).
Variant type: Deletion.
Genome position: chrM-4312-CT-C.
Identifiers: ClinVar variation 689881 (VCV000689881.1), dbSNP rs1603219400, ClinGen allele CA915952199.